The following is an entry in ClinVar:

ClinVar aggregate classification (germline): Uncertain significance (1 of 4 stars; one submission).

Conditions:
COG1 congenital disorder of glycosylation (CDG2G). Also called: CDG IIg; CDGII/COG1 CEREBROCOSTOMANDIBULAR-LIKE SYNDROME; CONGENITAL DISORDER OF GLYCOSYLATION, TYPE IIg. Identifiers: Orphanet 263508, MedGen C2931011, MONDO:0012637, OMIM 611209.

Allele frequency attached by ClinVar (database versions not stated): ExAC 0.00004; gnomAD exomes 0.00004 and 0.00013; gnomAD 0.00008 and 0.00009; TOPMed 0.00008; ESP Exome Variant Server 0.00023.

Submission:

Labcorp Genetics (formerly Invitae), Labcorp
Classification: Uncertain significance for COG1 congenital disorder of glycosylation. Last evaluated: 2022-01-03. Review status: criteria provided, single submitter. Criteria: Invitae Variant Classification Sherloc (09022015). Collection method: clinical testing. Allele origin: germline.
Comment: This sequence change replaces arginine, which is basic and polar, with glutamine, which is neutral and polar, at codon 495 of the COG1 protein (p.Arg495Gln). This variant is present in population databases (rs149030357, gnomAD 0.01%). This variant has not been reported in the literature in individuals affected with COG1-related conditions. Algorithms developed to predict the effect of missense changes on protein structure and function are either unavailable or do not agree on the potential impact of this missense change (SIFT: "Tolerated"; PolyPhen-2: "Probably Damaging"; Align-GVGD: "Class C0"). In summary, the available evidence is currently insufficient to determine the role of this variant in disease. Therefore, it has been classified as a Variant of Uncertain Significance.

NM_018714.3(COG1):c.1484G>A (p.Arg495Gln)

Gene: COG1 (component of oligomeric golgi complex 1; plus strand). Cytogenetic location: 17q25.1.
Variant type: single nucleotide variant.
Coding change: c.1484G>A on transcript NM_018714.3 (MANE Select); coding-DNA position 1484, G replaced by A.
Protein change: p.Arg495Gln; replaces arginine 495 with glutamine.
Molecular consequence: missense variant.
Genome position (GRCh38, 1-based): chr17:73,201,311, G>A. VCF-style: chr17-73201311-G-A. GRCh37 (hg19) VCF-style: chr17-71197450-G-A.
Other names: short protein forms R495Q.
Identifiers: ClinVar variation 1428974 (VCV001428974.4), dbSNP rs149030357, ClinGen allele CA8740241.